The following is an entry in ClinVar:

NM_000041.4(APOE):c.942C>T (p.Ser314=)

Gene: APOE (apolipoprotein E; plus strand). Cytogenetic location: 19q13.32.
Variant type: single nucleotide variant.
Coding change: c.942C>T on transcript NM_000041.4 (MANE Select); coding-DNA position 942, C replaced by T.
Protein change: p.Ser314=; no amino-acid change (serine 314 retained).
Molecular consequence: synonymous variant.
Genome position (GRCh38, 1-based): chr19:44,909,238, C>T. VCF-style: chr19-44909238-C-T. GRCh37 (hg19) VCF-style: chr19-45412495-C-T.
Other names: c.1020C>T, p.Ser340= (NM_001302688.2); c.942C>T, p.Ser314= (NM_001302689.2, NM_001302690.2, NM_001302691.2).
Identifiers: ClinVar variation 726778 (VCV000726778.36), dbSNP rs1051068315, ClinGen allele CA308886262.

ClinVar aggregate classification (germline): Likely benign. Review status: criteria provided, multiple submitters, no conflicts (2 of 4 stars). 5 submissions from 5 submitters: Likely benign (3). 2 of the submissions do not count toward it. Last evaluated 2023-03-01.

Conditions:
Cardiovascular phenotype. Identifiers: MedGen CN230736.

Allele frequency attached by ClinVar (database versions not stated): gnomAD 0.00001; TOPMed 0.00003; gnomAD exomes 0.00005.
gnomAD v4.1: 30 of 1,596,588 alleles (0.0019%); highest among the groups gnomAD compares: Admixed American, 0.025%; no homozygotes.

Submissions (5):

CeGaT Center for Human Genetics Tuebingen
Classification: Likely benign. Last evaluated: 2023-03-01. Review status: criteria provided, single submitter. Criteria: CeGaT Center For Human Genetics Tuebingen Variant Classification Criteria Version 2. Collection method: clinical testing. Allele origin: germline. Affected: yes. Observed: 1 variant allele.
Comment: APOE: BP4, BP7

Ambry Genetics
Classification: Likely benign for Cardiovascular phenotype. Last evaluated: 2021-01-27. Review status: criteria provided, single submitter. Criteria: Ambry Variant Classification Scheme 2023. Collection method: clinical testing. Allele origin: germline.

Labcorp Genetics (formerly Invitae), Labcorp
Classification: Likely benign. Last evaluated: 2018-02-09. Review status: criteria provided, single submitter. Criteria: Invitae Variant Classification Sherloc (09022015). Collection method: clinical testing. Allele origin: germline.

Clinical Genetics, Academic Medical Center
Classification: Likely benign. Review status: no assertion criteria provided. Collection method: clinical testing. Allele origin: germline. Affected: yes. Study: VKGL Data-share Consensus. Not counted in ClinVar's aggregate classification.

Genome Diagnostics Laboratory, Amsterdam University Medical Center
Classification: Likely benign. Review status: no assertion criteria provided. Collection method: clinical testing. Allele origin: germline. Affected: yes. Study: VKGL Data-share Consensus. Not counted in ClinVar's aggregate classification.